The following is an entry in ClinVar:

NM_003647.3(DGKE):c.943_944insT (p.Asp315fs)

Gene: DGKE (diacylglycerol kinase epsilon; plus strand). Cytogenetic location: 17q22.
Variant type: Insertion.
Coding change: c.943_944insT on transcript NM_003647.3 (MANE Select); coding-DNA positions 943 to 944, T inserted.
Protein change: p.Asp315fs; shifts the reading frame from aspartic acid 315.
Molecular consequence: frameshift variant.
Genome position: GRCh38 VCF-style: chr17-56848750-G-GT. GRCh37 (hg19) VCF-style: chr17-54926111-G-GT.
Other names: short protein forms D315fs.
Identifiers: ClinVar variation 2027497 (VCV002027497.4), dbSNP rs2509299260, ClinGen allele CA2580094271.

ClinVar aggregate classification (germline): Pathogenic (1 of 4 stars; one submission).

Submission:

Labcorp Genetics (formerly Invitae), Labcorp
Classification: Pathogenic. Last evaluated: 2022-08-27. Review status: criteria provided, single submitter. Criteria: Invitae Variant Classification Sherloc (09022015). Collection method: clinical testing. Allele origin: germline.
Comment: For these reasons, this variant has been classified as Pathogenic. This variant has not been reported in the literature in individuals affected with DGKE-related conditions. This variant is not present in population databases (gnomAD no frequency). This sequence change creates a premature translational stop signal (p.Asp315Valfs*32) in the DGKE gene. It is expected to result in an absent or disrupted protein product. Loss-of-function variants in DGKE are known to be pathogenic (PMID: 23274426, 23542698).

Literature cited by the submitters: PubMed 23274426; PubMed 23542698.